The following is an entry in ClinVar:

ClinVar aggregate classification (germline): Benign/Likely benign. Review status: criteria provided, multiple submitters, no conflicts (2 of 4 stars). 5 submissions from 3 submitters: Benign (4); Likely benign (1). Last evaluated 2024-11-13.

Conditions:
Familial cylindromatosis. Also called: ANCELL-SPIEGLER CYLINDROMAS; Turban tumor syndrome. Identifiers: Orphanet 211, Orphanet 79493, MedGen C1851526, MONDO:0007565, OMIM 132700.
Brooke-Spiegler syndrome. Also called: CYLD Cutaneous Syndrome. Identifiers: Orphanet 79493, MedGen C1857941, MONDO:0011512, OMIM 605041.
Familial multiple trichoepitheliomata. Also called: Familial multiple trichoepithelioma. Identifiers: Orphanet 79493, Orphanet 867, MedGen C1275122, MONDO:0011114.

Allele frequency attached by ClinVar (database versions not stated): gnomAD exomes 0.00022 and 0.00011; gnomAD 0.00012 and 0.00014; TOPMed 0.00013; ExAC 0.00020.
gnomAD v4.1: 187 of 1,567,554 alleles (0.012%); highest among the groups gnomAD compares: Admixed American, 0.018%; no homozygotes.

Submissions (5):

Blueprint Genetics
Classification: Likely benign. Last evaluated: 2024-11-13. Review status: criteria provided, single submitter. Criteria: ACMG Guidelines, 2015. Collection method: clinical testing. Allele origin: germline.

Labcorp Genetics (formerly Invitae), Labcorp
Classification: Benign. Last evaluated: 2024-06-10. Review status: criteria provided, single submitter. Criteria: Invitae Variant Classification Sherloc (09022015). Collection method: clinical testing. Allele origin: germline.

Illumina Laboratory Services, Illumina
Classification: Benign for Familial cylindromatosis. Last evaluated: 2018-01-13. Review status: criteria provided, single submitter. Criteria: ICSL Variant Classification Criteria 13 December 2019. Collection method: clinical testing. Allele origin: germline.
Comment: This variant was observed in the ICSL laboratory as part of a predisposition screen in an ostensibly healthy population. It had not been previously curated by ICSL or reported in the Human Gene Mutation Database (HGMD: prior to June 1st, 2018), and was therefore a candidate for classification through an automated scoring system. Utilizing variant allele frequency, disease prevalence and penetrance estimates, and inheritance mode, an automated score was calculated to assess if this variant is too frequent to cause the disease. Based on the score and internal cut-off values, a variant classified as benign is not then subjected to further curation. The score for this variant resulted in a classification of benign for this disease.

Illumina Laboratory Services, Illumina
Classification: Benign for Trichoepithelioma, multiple familial, 1. Last evaluated: 2018-01-13. Review status: criteria provided, single submitter. Criteria: ICSL Variant Classification Criteria 13 December 2019. Collection method: clinical testing. Allele origin: germline.
Comment: the same text as in the submission from Illumina Laboratory Services, Illumina above.

Illumina Laboratory Services, Illumina
Classification: Benign for Brooke-Spiegler syndrome. Last evaluated: 2018-01-13. Review status: criteria provided, single submitter. Criteria: ICSL Variant Classification Criteria 13 December 2019. Collection method: clinical testing. Allele origin: germline.
Comment: the same text as in the submission from Illumina Laboratory Services, Illumina above.

NM_001378743.1(CYLD):c.913+5G>T

Gene: CYLD (CYLD lysine 63 deubiquitinase; plus strand). Cytogenetic location: 16q12.1.
Variant type: single nucleotide variant.
Coding change: c.913+5G>T on transcript NM_001378743.1 (MANE Select); 5 bases into the intron after coding-DNA position 913, G replaced by T.
Molecular consequence: intron variant.
Genome position (GRCh38, 1-based): chr16:50,754,429, G>T. VCF-style: chr16-50754429-G-T. GRCh37 (hg19) VCF-style: chr16-50788340-G-T.
Other names: c.913+5G>T (NM_015247.3, NM_001378745.1, NM_001378744.1 and 10 more transcripts); c.247+5G>T (NM_001378754.1, NM_001378755.1).
Identifiers: ClinVar variation 885521 (VCV000885521.7), dbSNP rs200435608, ClinGen allele CA8052269.